The following is an entry in ClinVar:

ClinVar aggregate classification (germline): Uncertain significance (1 of 4 stars; one submission).

Conditions:
Inborn genetic diseases. Identifiers: MedGen C0950123, MeSH D030342.

Submission:

Ambry Genetics
Classification: Uncertain significance for Inborn genetic diseases. Last evaluated: 2026-05-14. Review status: criteria provided, single submitter. Criteria: Ambry Variant Classification Scheme 2023. Collection method: clinical testing. Allele origin: germline.
Comment: The p.D29H variant (also known as c.85G>C) is located in coding exon 2 of the RECQL4 gene. The aspartic acid at codon 29 is replaced by histidine, an amino acid with similar properties. This change occurs in the first base pair of coding exon 2. This amino acid position is conserved. In addition, this alteration is predicted to be tolerated by in silico analysis. Based on the available evidence, the clinical significance of this variant remains unclear.

NM_004260.4(RECQL4):c.85G>C (p.Asp29His)

Genes: RECQL4 (RecQ like helicase 4; minus strand), LOC130001411 (ATAC-STARR-seq lymphoblastoid silent region 19699; plus strand). Cytogenetic location: 8q24.3.
Variant type: single nucleotide variant.
Coding change: c.85G>C on transcript NM_004260.4 (MANE Select); coding-DNA position 85, G replaced by C.
Protein change: p.Asp29His; replaces aspartic acid 29 with histidine.
Molecular consequence: missense variant. On other transcripts: 5 prime UTR variant (17), non-coding transcript variant (3), intron variant (1).
Genome position (GRCh38, 1-based): chr8:144,517,635, C>G on the plus strand (G>C on the coding strand, the complement: RECQL4 is on the minus strand). VCF-style: chr8-144517635-C-G. GRCh37 (hg19) VCF-style: chr8-145743019-C-G.
Other names: c.85G>C, p.Asp29His (NM_001413017.1, NM_001413018.1, NM_001413019.1 and 5 more transcripts); c.-636G>C (NM_001413021.1); c.-987G>C (NM_001413022.1, NM_001413023.1, NM_001413037.1 and 2 more transcripts); c.-884G>C (NM_001413024.1, NM_001413035.1); c.-1049G>C (NM_001413027.1, NM_001413030.1, NM_001413031.1 and 1 more transcripts); c.-712G>C (NM_001413028.1); c.-946G>C (NM_001413032.1); c.-891G>C (NM_001413034.1); and 3 more; short protein forms D29H.
Identifiers: ClinVar variation 4863183 (VCV004863183.1).